The following is an entry in ClinVar:

NM_024577.4(SH3TC2):c.53-161C>T

Gene: SH3TC2 (SH3 domain and tetratricopeptide repeats 2; minus strand). Cytogenetic location: 5q32.
Variant type: single nucleotide variant.
Coding change: c.53-161C>T on transcript NM_024577.4 (MANE Select); 161 bases into the intron before coding-DNA position 53, C replaced by T.
Molecular consequence: intron variant.
Genome position (GRCh38, 1-based): chr5:149,052,401, G>A on the plus strand (C>T on the coding strand, the complement: SH3TC2 is on the minus strand). VCF-style: chr5-149052401-G-A. GRCh37 (hg19) VCF-style: chr5-148431964-G-A.
Identifiers: ClinVar variation 670069 (VCV000670069.1), dbSNP rs36077, ClinGen allele CA16245052.

ClinVar aggregate classification (germline): Benign (1 of 4 stars; one submission).

Allele frequency attached by ClinVar (database versions not stated): gnomAD 0.52142 and 0.52247; TOPMed 0.53764; 1000 Genomes Project 0.57408; 1000 Genomes Project 30x 0.57886.
gnomAD v4.1: 79,463 of 152,088 alleles (52%); highest among the groups gnomAD compares: African/African-American, 69%; 21,900 homozygotes.

Submission:

GeneDx
Classification: Benign. Last evaluated: 2018-06-20. Review status: criteria provided, single submitter. Criteria: GeneDx Variant Classification (06012015). Collection method: clinical testing. Allele origin: germline. Affected: yes.
Comment: This variant is considered likely benign or benign based on one or more of the following criteria: it is a conservative change, it occurs at a poorly conserved position in the protein, it is predicted to be benign by multiple in silico algorithms, and/or has population frequency not consistent with disease.